The following is an entry in ClinVar:

NM_001042545.2(LTBP4):c.698C>T (p.Ser233Phe)

Genes: LTBP4 (latent transforming growth factor beta binding protein 4; plus strand), LOC130064475 (ATAC-STARR-seq lymphoblastoid silent region 10639; plus strand). Cytogenetic location: 19q13.2.
Variant type: single nucleotide variant.
Coding change: c.698C>T on transcript NM_001042545.2 (MANE Select); coding-DNA position 698, C replaced by T.
Protein change: p.Ser233Phe; replaces serine 233 with phenylalanine.
Molecular consequence: missense variant.
Genome position (GRCh38, 1-based): chr19:40,605,736, C>T. VCF-style: chr19-40605736-C-T. GRCh37 (hg19) VCF-style: chr19-41111642-C-T.
Other names: c.899C>T, p.Ser300Phe (NM_001042544.1); c.788C>T, p.Ser263Phe (NM_003573.2); short protein forms S300F, S263F, S233F.
Identifiers: ClinVar variation 329304 (VCV000329304.9), dbSNP rs886054445, ClinGen allele CA10642834.

ClinVar aggregate classification (germline): Uncertain significance. Review status: criteria provided, multiple submitters, no conflicts (2 of 4 stars). 4 submissions from 4 submitters: Uncertain significance (4). Last evaluated 2024-08-21.

Conditions:
Inborn genetic diseases. Identifiers: MedGen C0950123, MeSH D030342.
Cutis laxa with severe pulmonary, gastrointestinal and urinary anomalies. Also called: URBAN-RIFKIN-DAVIS SYNDROME; Cutis laxa, autosomal recessive, type IC; LTBP4-Related Cutis Laxa. Identifiers: Orphanet 221145, MedGen C2750804, MONDO:0013170, OMIM 613177. Disease mechanism: loss of function.

Allele frequency attached by ClinVar (database versions not stated): gnomAD exomes 0.00004 and 0.00016; gnomAD 0.00007 and 0.00008; TOPMed 0.00012.
gnomAD v4.1: 231 of 1,545,678 alleles (0.015%); highest among the groups gnomAD compares: Non-Finnish European, 0.02%; no homozygotes.

Submissions (4):

Ambry Genetics
Classification: Uncertain significance for Inborn genetic diseases. Last evaluated: 2024-08-21. Review status: criteria provided, single submitter. Criteria: Ambry Variant Classification Scheme 2023. Collection method: clinical testing. Allele origin: germline.

GeneDx
Classification: Uncertain significance. Last evaluated: 2024-05-15. Review status: criteria provided, single submitter. Criteria: GeneDx Variant Classification Process June 2021. Collection method: clinical testing. Allele origin: germline. Affected: yes.
Comment: Not observed at significant frequency in large population cohorts (gnomAD); In silico analysis supports that this missense variant has a deleterious effect on protein structure/function; Has not been previously published as pathogenic or benign to our knowledge

Labcorp Genetics (formerly Invitae), Labcorp
Classification: Uncertain significance. Last evaluated: 2022-08-08. Review status: criteria provided, single submitter. Criteria: Invitae Variant Classification Sherloc (09022015). Collection method: clinical testing. Allele origin: germline.
Comment: This sequence change replaces serine, which is neutral and polar, with phenylalanine, which is neutral and non-polar, at codon 263 of the LTBP4 protein (p.Ser263Phe). This variant is present in population databases (no rsID available, gnomAD 0.01%). This variant has not been reported in the literature in individuals affected with LTBP4-related conditions. ClinVar contains an entry for this variant (Variation ID: 329304). In summary, the available evidence is currently insufficient to determine the role of this variant in disease. Therefore, it has been classified as a Variant of Uncertain Significance.

Illumina Laboratory Services, Illumina
Classification: Uncertain significance for Cutis laxa with severe pulmonary, gastrointestinal and urinary anomalies. Last evaluated: 2018-01-12. Review status: criteria provided, single submitter. Criteria: ICSL Variant Classification Criteria 13 December 2019. Collection method: clinical testing. Allele origin: germline.